The following is an entry in ClinVar:

NM_001330078.2(NRXN1):c.4282A>G (p.Ser1428Gly)

Gene: NRXN1 (neurexin 1; minus strand). Cytogenetic location: 2p16.3.
Variant type: single nucleotide variant.
Coding change: c.4282A>G on transcript NM_001330078.2 (MANE Select); coding-DNA position 4282, A replaced by G.
Protein change: p.Ser1428Gly; replaces serine 1428 with glycine.
Molecular consequence: missense variant.
Genome position (GRCh38, 1-based): chr2:49,922,186, T>C on the plus strand (A>G on the coding strand, the complement: NRXN1 is on the minus strand). VCF-style: chr2-49922186-T-C. GRCh37 (hg19) VCF-style: chr2-50149324-T-C.
Other names: c.4402A>G, p.Ser1468Gly (NM_001135659.3); c.187A>G, p.Ser63Gly (NM_001320156.4); c.178A>G, p.Ser60Gly (NM_001320157.4); c.4258A>G, p.Ser1420Gly (NM_001330077.2); c.4249A>G, p.Ser1417Gly (NM_001330082.2); c.4117A>G, p.Ser1373Gly (NM_001330083.2); c.4216A>G, p.Ser1406Gly (NM_001330084.2); c.4255A>G, p.Ser1419Gly (NM_001330085.2); and 12 more; short protein forms S1358G, S1381G, S1419G, S1428G, S1468G, S60G, S1421G, S1425G.
Identifiers: ClinVar variation 1416315 (VCV001416315.8), dbSNP rs2103998731, ClinGen allele CA346818693.

ClinVar aggregate classification (germline): Uncertain significance (1 of 4 stars; one submission).

Conditions:
Pitt-Hopkins-like syndrome 2 (PTHSL2). Identifiers: Orphanet 221150, Orphanet 600663, MedGen C3280479, MONDO:0013690, OMIM 614325.

Submission:

Labcorp Genetics (formerly Invitae), Labcorp
Classification: Uncertain significance for Pitt-Hopkins-like syndrome 2. Last evaluated: 2024-10-15. Review status: criteria provided, single submitter. Criteria: Invitae Variant Classification Sherloc (09022015). Collection method: clinical testing. Allele origin: germline.
Comment: This sequence change replaces serine, which is neutral and polar, with glycine, which is neutral and non-polar, at codon 1468 of the NRXN1 protein (p.Ser1468Gly). This variant is not present in population databases (gnomAD no frequency). This variant has not been reported in the literature in individuals affected with NRXN1-related conditions. ClinVar contains an entry for this variant (Variation ID: 1416315). Invitae Evidence Modeling of protein sequence and biophysical properties (such as structural, functional, and spatial information, amino acid conservation, physicochemical variation, residue mobility, and thermodynamic stability) indicates that this missense variant is not expected to disrupt NRXN1 protein function with a negative predictive value of 80%. In summary, the available evidence is currently insufficient to determine the role of this variant in disease. Therefore, it has been classified as a Variant of Uncertain Significance.